The following is an entry in ClinVar:

NM_032607.3(CREB3L3):c.130G>T (p.Glu44Ter)

Gene: CREB3L3 (cAMP responsive element binding protein 3 like 3; plus strand). Cytogenetic location: 19p13.3.
Variant type: single nucleotide variant.
Coding change: c.130G>T on transcript NM_032607.3 (MANE Select); coding-DNA position 130, G replaced by T.
Protein change: p.Glu44Ter; replaces glutamic acid 44 with a stop codon.
Molecular consequence: nonsense.
Genome position (GRCh38, 1-based): chr19:4,155,001, G>T. VCF-style: chr19-4155001-G-T. GRCh37 (hg19) VCF-style: chr19-4154998-G-T.
Other names: c.130G>T, p.Glu44Ter (NM_001271995.2, NM_001271996.2, NM_001271997.2); short protein forms E44*.
Identifiers: ClinVar variation 1943961 (VCV001943961.5), dbSNP rs143652660, ClinGen allele CA403400480.
Genomic context (GRCh38, chr19:4,155,001, plus strand): 5'-GAGCTCCTGGATCTCCTGTTTGACCGGCAGGACGGCATCCTGAGACACGTGGAGCTGGGC[G>T]AGGGCTGGGGTCACGTCAAGGACCAGGTGAGGAGTCCACTGCAGTTGCCCCGGGACCACA-3'

ClinVar aggregate classification (germline): Pathogenic (1 of 4 stars; one submission).

gnomAD v4.1: 2 of 1,610,714 alleles (0.00012%); highest among the groups gnomAD compares: Non-Finnish European, 0.00017%; no homozygotes.

Submission:

Labcorp Genetics (formerly Invitae), Labcorp
Classification: Pathogenic. Last evaluated: 2022-03-02. Review status: criteria provided, single submitter. Criteria: Invitae Variant Classification Sherloc (09022015). Collection method: clinical testing. Allele origin: germline.
Comment: This sequence change creates a premature translational stop signal (p.Glu44*) in the CREB3L3 gene. It is expected to result in an absent or disrupted protein product. Loss-of-function variants in CREB3L3 are known to be pathogenic (PMID: 21666694, 26427795). For these reasons, this variant has been classified as Pathogenic. This variant has not been reported in the literature in individuals affected with CREB3L3-related conditions. This variant is not present in population databases (gnomAD no frequency).

Literature cited by the submitters: PubMed 21666694; PubMed 26427795.